The following is an entry in ClinVar:

NM_024422.6(DSC2):c.1316A>G (p.Asn439Ser)

Gene: DSC2 (desmocollin 2; minus strand). Cytogenetic location: 18q12.1.
Variant type: single nucleotide variant.
Coding change: c.1316A>G on transcript NM_024422.6 (MANE Select); coding-DNA position 1316, A replaced by G.
Protein change: p.Asn439Ser; replaces asparagine 439 with serine.
Molecular consequence: missense variant.
Genome position (GRCh38, 1-based): chr18:31,080,300, T>C on the plus strand (A>G on the coding strand, the complement: DSC2 is on the minus strand). VCF-style: chr18-31080300-T-C. GRCh37 (hg19) VCF-style: chr18-28660266-T-C.
Other names: c.887A>G, p.Asn296Ser (NM_001406506.1, NM_001406507.1); c.1316A>G, p.Asn439Ser (NM_004949.5); short protein forms N296S, N439S.
Identifiers: ClinVar variation 3643199 (VCV003643199.2).

ClinVar aggregate classification (germline): Uncertain significance (1 of 4 stars; one submission).

Conditions:
Arrhythmogenic right ventricular dysplasia 11. Also called: ARRHYTHMOGENIC RIGHT VENTRICULAR DYSPLASIA, FAMILIAL, 11; Arrhythmogenic Right Ventricular Dysplasia/Cardiomyopathy11; Arrhythmogenic right ventricular dysplasia 11 with mild palmoplantar keratoderma and woolly hair. Identifiers: MedGen C1864850, MONDO:0012506, OMIM 610476.

Submission:

Labcorp Genetics (formerly Invitae), Labcorp
Classification: Uncertain significance for Arrhythmogenic right ventricular dysplasia 11. Last evaluated: 2024-02-25. Review status: criteria provided, single submitter. Criteria: Invitae Variant Classification Sherloc (09022015). Collection method: clinical testing. Allele origin: germline.
Comment: This sequence change replaces asparagine, which is neutral and polar, with serine, which is neutral and polar, at codon 439 of the DSC2 protein (p.Asn439Ser). This variant is present in population databases (no rsID available, gnomAD 0.0009%). This variant has not been reported in the literature in individuals affected with DSC2-related conditions. Advanced modeling of protein sequence and biophysical properties (such as structural, functional, and spatial information, amino acid conservation, physicochemical variation, residue mobility, and thermodynamic stability) performed at Invitae indicates that this missense variant is expected to disrupt DSC2 protein function with a positive predictive value of 80%. In summary, the available evidence is currently insufficient to determine the role of this variant in disease. Therefore, it has been classified as a Variant of Uncertain Significance.